The following is an entry in ClinVar:

ClinVar aggregate classification (germline): Benign/Likely benign. Review status: criteria provided, multiple submitters, no conflicts (2 of 4 stars). 3 submissions from 3 submitters: Benign (1); Likely benign (2). Last evaluated 2025-12-17.

Conditions:
VCAN-related disorder. Also called: VCAN-related condition.

Allele frequency attached by ClinVar (database versions not stated): gnomAD exomes 0.00003 and 0.00012; ExAC 0.00017; 1000 Genomes Project 30x 0.00031; 1000 Genomes Project 0.00040; gnomAD 0.00045 and 0.00048; ESP Exome Variant Server 0.00046; TOPMed 0.00051.
gnomAD v4.1: 120 of 1,614,072 alleles (0.0074%); highest among the groups gnomAD compares: African/African-American, 0.14%; no homozygotes.

Submissions (3):

Labcorp Genetics (formerly Invitae), Labcorp
Classification: Benign. Last evaluated: 2025-12-17. Review status: criteria provided, single submitter. Criteria: Invitae Variant Classification Sherloc (09022015). Collection method: clinical testing. Allele origin: germline.

PreventionGenetics, part of Exact Sciences
Classification: Likely benign for VCAN-related condition. Last evaluated: 2025-02-03. Review status: criteria provided, single submitter. Criteria: ACMG Guidelines, 2015. Collection method: clinical testing. Allele origin: germline.
Comment: This variant is classified as likely benign based on ACMG/AMP sequence variant interpretation guidelines (Richards et al. 2015 PMID: 25741868, with internal and published modifications).

Blueprint Genetics
Classification: Likely benign. Last evaluated: 2022-10-10. Review status: criteria provided, single submitter. Criteria: ACMG Guidelines, 2015. Collection method: clinical testing. Allele origin: germline.

NM_004385.5(VCAN):c.2262A>T (p.Thr754=)

Gene: VCAN (versican; plus strand). Cytogenetic location: 5q14.3.
Variant type: single nucleotide variant.
Coding change: c.2262A>T on transcript NM_004385.5 (MANE Select); coding-DNA position 2262, A replaced by T.
Protein change: p.Thr754=; no amino-acid change (threonine 754 retained).
Molecular consequence: synonymous variant. On other transcripts: intron variant (2).
Genome position (GRCh38, 1-based): chr5:83,520,568, A>T. VCF-style: chr5-83520568-A-T. GRCh37 (hg19) VCF-style: chr5-82816387-A-T.
Other names: c.2262A>T (NM_004385.4); c.2262A>T, p.Thr754= (NM_001164098.2); c.1042+8172A>T (NM_001164097.2, NM_001126336.3).
Identifiers: ClinVar variation 1170717 (VCV001170717.11), dbSNP rs113094612, ClinGen allele CA3332821.